The following is an entry in ClinVar:

NM_001025616.3(ARHGAP24):c.1250C>T (p.Pro417Leu)

Gene: ARHGAP24 (Rho GTPase activating protein 24; plus strand). Cytogenetic location: 4q21.23.
Variant type: single nucleotide variant.
Coding change: c.1250C>T on transcript NM_001025616.3 (MANE Select); coding-DNA position 1250, C replaced by T.
Protein change: p.Pro417Leu; replaces proline 417 with leucine.
Molecular consequence: missense variant.
Genome position (GRCh38, 1-based): chr4:85,994,904, C>T. VCF-style: chr4-85994904-C-T. GRCh37 (hg19) VCF-style: chr4-86916057-C-T.
Other names: c.965C>T, p.Pro322Leu (NM_001042669.2); c.995C>T, p.Pro332Leu (NM_001287805.2); c.671C>T, p.Pro224Leu (NM_001346093.2); c.971C>T, p.Pro324Leu (NM_031305.3); short protein forms P324L, P322L, P417L, P332L, P224L.
Identifiers: ClinVar variation 2229468 (VCV002229468.30), dbSNP rs756950646, ClinGen allele CA2994698.

ClinVar aggregate classification (germline): Conflicting classifications of pathogenicity. Review status: criteria provided, conflicting classifications (1 of 4 stars). 2 submissions from 2 submitters: Uncertain significance (1); Likely benign (1). Last evaluated 2023-03-01.

Allele frequency attached by ClinVar (database versions not stated): TOPMed 0.00005.
gnomAD v4.1: 139 of 1,613,970 alleles (0.0086%); highest among the groups gnomAD compares: Non-Finnish European, 0.0069%; no homozygotes.

Submissions (2):

CeGaT Center for Human Genetics Tuebingen
Classification: Likely benign. Last evaluated: 2023-03-01. Review status: criteria provided, single submitter. Criteria: CeGaT Center For Human Genetics Tuebingen Variant Classification Criteria Version 2. Collection method: clinical testing. Allele origin: germline. Affected: yes. Observed: 1 variant allele.
Comment: ARHGAP24: BS2

Ambry Genetics
Classification: Uncertain significance. Last evaluated: 2022-05-27. Review status: criteria provided, single submitter. Criteria: Ambry Variant Classification Scheme 2023. Collection method: clinical testing. Allele origin: germline.